The following is an entry in ClinVar:

NM_152703.5(SAMD9L):c.694C>G (p.Arg232Gly)

Gene: SAMD9L (sterile alpha motif domain containing 9 like; minus strand). Cytogenetic location: 7q21.2.
Variant type: single nucleotide variant.
Coding change: c.694C>G on transcript NM_152703.5 (MANE Select); coding-DNA position 694, C replaced by G.
Protein change: p.Arg232Gly; replaces arginine 232 with glycine.
Molecular consequence: missense variant.
Genome position (GRCh38, 1-based): chr7:93,135,278, G>C on the plus strand (C>G on the coding strand, the complement: SAMD9L is on the minus strand). VCF-style: chr7-93135278-G-C. GRCh37 (hg19) VCF-style: chr7-92764591-G-C.
Other names: c.694C>G, p.Arg232Gly (NM_001303496.3, NM_001303497.3, NM_001303498.3 and 5 more transcripts); short protein forms R232G.
Identifiers: ClinVar variation 4842019 (VCV004842019.1).

ClinVar aggregate classification (germline): Uncertain significance (1 of 4 stars; one submission).

Conditions:
Inborn genetic diseases. Identifiers: MedGen C0950123, MeSH D030342.

Submission:

Ambry Genetics
Classification: Uncertain significance for Inborn genetic diseases. Last evaluated: 2025-12-27. Review status: criteria provided, single submitter. Criteria: Ambry Variant Classification Scheme 2023. Collection method: clinical testing. Allele origin: germline.
Comment: The p.R232G variant (also known as c.694C>G), located in coding exon 1 of the SAMD9L gene, results from a C to G substitution at nucleotide position 694. The arginine at codon 232 is replaced by glycine, an amino acid with dissimilar properties. This amino acid position is conserved. In addition, the in silico prediction for this alteration is inconclusive. Based on the available evidence, the clinical significance of this variant remains unclear.